The following is an entry in ClinVar:

ClinVar aggregate classification (germline): Likely benign (1 of 4 stars; one submission).

Submission:

CeGaT Center for Human Genetics Tuebingen
Classification: Likely benign. Last evaluated: 2024-11-01. Review status: criteria provided, single submitter. Criteria: CeGaT Center For Human Genetics Tuebingen Variant Classification Criteria Version 2. Collection method: clinical testing. Allele origin: germline. Affected: yes. Observed: 1 variant allele.
Comment: TERF2IP: PM2:Supporting, BP4, BP7

NC_000016.10:g.75760858C>T

Gene: TERF2IP (TERF2 interacting protein; plus strand). Cytogenetic location: 16q23.1.
Variant type: single nucleotide variant.
Genome position: GRCh38 VCF-style: chr16-75760858-C-T. GRCh37 (hg19) VCF-style: chr16-75794756-C-T.
Identifiers: ClinVar variation 3390237 (VCV003390237.14).